The following is an entry in ClinVar:

NM_000821.7(GGCX):c.1888+2T>A

Gene: GGCX (gamma-glutamyl carboxylase; minus strand). Cytogenetic location: 2p11.2.
Variant type: single nucleotide variant.
Coding change: c.1888+2T>A on transcript NM_000821.7 (MANE Select); the canonical splice donor site of the intron after coding-DNA position 1888, T replaced by A.
Molecular consequence: splice donor variant.
Genome position (GRCh38, 1-based): chr2:85,550,923, A>T on the plus strand (T>A on the coding strand, the complement: GGCX is on the minus strand). VCF-style: chr2-85550923-A-T. GRCh37 (hg19) VCF-style: chr2-85778046-A-T.
Other names: NC_000002.11:g.85778046A>T; c.1717+2T>A (NM_001142269.4).
Identifiers: ClinVar variation 4516978 (VCV004516978.2).

ClinVar aggregate classification (germline): Likely pathogenic (1 of 4 stars; one submission).

gnomAD v4.1: 4 of 1,613,932 alleles (0.00025%); highest among the groups gnomAD compares: East Asian, 0.0089%; no homozygotes.

Submissions (2):

Labcorp Genetics (formerly Invitae), Labcorp
Classification: Likely pathogenic. Last evaluated: 2025-04-19. Review status: criteria provided, single submitter. Criteria: Invitae Variant Classification Sherloc (09022015). Collection method: clinical testing. Allele origin: germline.
Comment: This sequence change affects a donor splice site in intron 13 of the GGCX gene. It is expected to disrupt RNA splicing. Variants that disrupt the donor or acceptor splice site typically lead to a loss of protein function (PMID: 16199547), and loss-of-function variants in GGCX are known to be pathogenic (PMID: 17110937, 17327402, 24520408). This variant is present in population databases (rs755608344, gnomAD 0.01%). This variant has not been reported in the literature in individuals affected with GGCX-related conditions. Algorithms developed to predict the effect of sequence changes on RNA splicing suggest that this variant may disrupt the consensus splice site. In summary, the currently available evidence indicates that the variant is pathogenic, but additional data are needed to prove that conclusively. Therefore, this variant has been classified as Likely Pathogenic.

Dr. Peter K. Rogan Lab, Western University
No classification provided (evidence only). Condition: Hepatocellular carcinoma. Review status: no classification provided. Collection method: in vitro. Allele origin: not applicable. Functional consequence: skipped exon, retained intron. Not counted in ClinVar's aggregate classification.

Literature cited by the submitters: PubMed 16199547 (cited by Labcorp Genetics (formerly Invitae), Labcorp); PubMed 17110937 (cited by Labcorp Genetics (formerly Invitae), Labcorp); PubMed 17327402 (cited by Labcorp Genetics (formerly Invitae), Labcorp); PubMed 24520408 (cited by Labcorp Genetics (formerly Invitae), Labcorp).